The following is an entry in ClinVar:

NM_004356.4(CD81):c.144G>T (p.Glu48Asp)

Gene: CD81 (CD81 molecule; plus strand). Cytogenetic location: 11p15.5.
Variant type: single nucleotide variant.
Coding change: c.144G>T on transcript NM_004356.4 (MANE Select); coding-DNA position 144, G replaced by T.
Protein change: p.Glu48Asp; replaces glutamic acid 48 with aspartic acid.
Molecular consequence: missense variant. On other transcripts: 5 prime UTR variant (1).
Genome position (GRCh38, 1-based): chr11:2,390,489, G>T. VCF-style: chr11-2390489-G-T. GRCh37 (hg19) VCF-style: chr11-2411719-G-T.
Other names: c.-70G>T (NM_001297649.2); short protein forms E48D.
Identifiers: ClinVar variation 2239027 (VCV002239027.7), dbSNP rs763533876, ClinGen allele CA5819845.
Genomic context (GRCh38, chr11:2,390,489, plus strand): 5'-CCTGGGTGTGGCCCTGTGGCTCCGCCATGACCCGCAGACCACCAACCTCCTGTATCTGGA[G>T]CTGGGAGACAAGCCCGCGCCCAACACCTTCTATGTAGGTGAGTGCACATGTGGCCGCAGA-3'
Protein context (NP_004347.1, residues 38-58): DPQTTNLLYL[Glu48Asp]LGDKPAPNTF

ClinVar aggregate classification (germline): Uncertain significance. Review status: criteria provided, multiple submitters, no conflicts (2 of 4 stars). 2 submissions from 2 submitters: Uncertain significance (2). Last evaluated 2023-03-27.

Allele frequency attached by ClinVar (database versions not stated): TOPMed 0.00004; ExAC 0.00005; gnomAD 0.00005.
gnomAD v4.1: 48 of 1,612,896 alleles (0.003%); highest among the groups gnomAD compares: Non-Finnish European, 0.0037%; no homozygotes.

Submissions (2):

Labcorp Genetics (formerly Invitae), Labcorp
Classification: Uncertain significance. Last evaluated: 2023-03-27. Review status: criteria provided, single submitter. Criteria: Invitae Variant Classification Sherloc (09022015). Collection method: clinical testing. Allele origin: germline.
Comment: In summary, the available evidence is currently insufficient to determine the role of this variant in disease. Therefore, it has been classified as a Variant of Uncertain Significance. An algorithm developed to predict the effect of missense changes on protein structure and function (PolyPhen-2) suggests that this variant is likely to be tolerated. ClinVar contains an entry for this variant (Variation ID: 2239027). This variant has not been reported in the literature in individuals affected with CD81-related conditions. This variant is present in population databases (rs763533876, gnomAD 0.009%). This sequence change replaces glutamic acid, which is acidic and polar, with aspartic acid, which is acidic and polar, at codon 48 of the CD81 protein (p.Glu48Asp).

Ambry Genetics
Classification: Uncertain significance. Last evaluated: 2022-02-03. Review status: criteria provided, single submitter. Criteria: Ambry Variant Classification Scheme 2023. Collection method: clinical testing. Allele origin: germline.